The following is an entry in ClinVar:

ClinVar aggregate classification (germline): Uncertain significance (1 of 4 stars; one submission).

Conditions:
Deficiency of adenosine deaminase 2. Also called: Polyarteritis nodosa, childhoood-onset; Adenosine Deaminase 2 Deficiency; VASCULITIS, AUTOINFLAMMATION, IMMUNODEFICIENCY, AND HEMATOLOGIC DEFECTS SYNDROME. Identifiers: Orphanet 404553, MedGen C3887654, MONDO:0014306, OMIM 615688, MONDO:0100317.

Allele frequency attached by ClinVar (database versions not stated): gnomAD 0.00001; gnomAD exomes 0.00001; TOPMed 0.00001.
gnomAD v4.1: 5 of 1,613,578 alleles (0.00031%); highest among the groups gnomAD compares: South Asian, 0.0011%; no homozygotes.

Submission:

Labcorp Genetics (formerly Invitae), Labcorp
Classification: Uncertain significance for Deficiency of adenosine deaminase 2. Last evaluated: 2021-05-18. Review status: criteria provided, single submitter. Criteria: Invitae Variant Classification Sherloc (09022015). Collection method: clinical testing. Allele origin: germline.
Comment: In summary, the available evidence is currently insufficient to determine the role of this variant in disease. Therefore, it has been classified as a Variant of Uncertain Significance. Algorithms developed to predict the effect of missense changes on protein structure and function output the following: SIFT: "Tolerated"; PolyPhen-2: "Benign"; Align-GVGD: "Class C0". The threonine amino acid residue is found in multiple mammalian species, suggesting that this missense change does not adversely affect protein function. These predictions have not been confirmed by published functional studies and their clinical significance is uncertain. This variant has not been reported in the literature in individuals with ADA2-related conditions. This variant is not present in population databases (ExAC no frequency). This sequence change replaces isoleucine with threonine at codon 367 of the ADA2 protein (p.Ile367Thr). The isoleucine residue is moderately conserved and there is a moderate physicochemical difference between isoleucine and threonine.

NM_001282225.2(ADA2):c.1100T>C (p.Ile367Thr)

Gene: ADA2 (adenosine deaminase 2; minus strand). Cytogenetic location: 22q11.1.
Variant type: single nucleotide variant.
Coding change: c.1100T>C on transcript NM_001282225.2 (MANE Select); coding-DNA position 1100, T replaced by C.
Protein change: p.Ile367Thr; replaces isoleucine 367 with threonine.
Molecular consequence: missense variant.
Genome position (GRCh38, 1-based): chr22:17,182,743, A>G on the plus strand (T>C on the coding strand, the complement: ADA2 is on the minus strand). VCF-style: chr22-17182743-A-G. GRCh37 (hg19) VCF-style: chr22-17663633-A-G.
Other names: c.1100T>C, p.Ile367Thr (NM_001282226.2); c.974T>C, p.Ile325Thr (NM_001282227.2, NM_001282228.2); c.740T>C, p.Ile247Thr (NM_001282229.2); c.377T>C, p.Ile126Thr (NM_177405.3); short protein forms I247T, I325T, I367T, I126T.
Identifiers: ClinVar variation 1361227 (VCV001361227.6), dbSNP rs2061988155, ClinGen allele CA410232532.
Genomic context (GRCh38, chr22:17,182,743, plus strand): 5'-GCAAATCCATGGCCGATTCTGGTAGTGTTCAGCATCAGAGCATCCAGAATGTTCCTGTCT[A>G]TGGAAGTACCCTGCCAGTCTGAACACACGGGAATGGTCTTCCATGGGGGATGGATGGGTC-3'
Protein context (NP_001269154.1, residues 357-377): AGETDWQGTS[Ile367Thr]DRNILDALML